The following is an entry in ClinVar:

ClinVar aggregate classification (germline): Uncertain significance. Review status: criteria provided, multiple submitters, no conflicts (2 of 4 stars). 3 submissions from 3 submitters: Uncertain significance (3). Last evaluated 2025-05-11.

Conditions:
Hereditary cancer-predisposing syndrome. Also called: Neoplastic Syndromes, Hereditary; Tumor predisposition; Hereditary Cancer Syndrome; Hereditary neoplastic syndrome. Identifiers: Orphanet 140162, MedGen C0027672, MeSH D009386, MONDO:0015356.
Familial cancer of breast. Also called: BREAST CANCER, FAMILIAL; hereditary breast carcinoma; Hereditary breast cancer. Identifiers: Orphanet 227535, MedGen C0346153, MONDO:0016419, OMIM 114480. Disease mechanism: loss of function.

Submissions (3):

Labcorp Genetics (formerly Invitae), Labcorp
Classification: Uncertain significance for Familial cancer of breast. Last evaluated: 2025-05-11. Review status: criteria provided, single submitter. Criteria: Invitae Variant Classification Sherloc (09022015). Collection method: clinical testing. Allele origin: germline.
Comment: This sequence change replaces glutamine, which is neutral and polar, with proline, which is neutral and non-polar, at codon 958 of the PALB2 protein (p.Gln958Pro). This variant is not present in population databases (gnomAD no frequency). This variant has not been reported in the literature in individuals affected with PALB2-related conditions. ClinVar contains an entry for this variant (Variation ID: 232317). Invitae Evidence Modeling of protein sequence and biophysical properties (such as structural, functional, and spatial information, amino acid conservation, physicochemical variation, residue mobility, and thermodynamic stability) indicates that this missense variant is expected to disrupt PALB2 protein function with a positive predictive value of 80%. Experimental studies have shown that this missense change does not substantially affect PALB2 function (PMID: 31636395). In summary, the available evidence is currently insufficient to determine the role of this variant in disease. Therefore, it has been classified as a Variant of Uncertain Significance.

Baylor Genetics
Classification: Uncertain significance for Familial cancer of breast. Last evaluated: 2023-12-14. Review status: criteria provided, single submitter. Criteria: ACMG Guidelines, 2015. Collection method: clinical testing. Allele origin: unknown.

Ambry Genetics
Classification: Uncertain significance for Hereditary cancer-predisposing syndrome. Last evaluated: 2015-06-10. Review status: criteria provided, single submitter. Criteria: Ambry Variant Classification Scheme 2023. Collection method: clinical testing. Allele origin: germline.
Comment: The p.Q958P variant (also known as c.2873A>C), located in coding exon 9 of the PALB2 gene, results from an A to C substitution at nucleotide position 2873. The glutamine at codon 958 is replaced by proline, an amino acid with similar properties. This variant was not reported in population based cohorts in the following databases: Database of Single Nucleotide Polymorphisms (dbSNP), NHLBI Exome Sequencing Project (ESP), and 1000 Genomes Project. In the ESP, this variant was not observed in 6497 samples (12994 alleles) with coverage at this position. To date, this alteration has been detected with an allele frequency of approximately 0.001% (greater than 70000 alleles tested) in our clinical cohort. This amino acid position is highly conserved in available vertebrate species. In addition, the in silico prediction for this alteration is inconclusive. Since supporting evidence is limited at this time, the clinical significance of p.Q958P remains unclear.

Literature cited by the submitters: PubMed 31636395 (cited by Labcorp Genetics (formerly Invitae), Labcorp and Ambry Genetics).

NM_024675.4(PALB2):c.2873A>C (p.Gln958Pro)

Gene: PALB2 (partner and localizer of BRCA2; minus strand). Cytogenetic location: 16p12.2.
Variant type: single nucleotide variant.
Coding change: c.2873A>C on transcript NM_024675.4 (MANE Select); coding-DNA position 2873, A replaced by C.
Protein change: p.Gln958Pro; replaces glutamine 958 with proline.
Molecular consequence: missense variant.
Genome position (GRCh38, 1-based): chr16:23,623,092, T>G on the plus strand (A>C on the coding strand, the complement: PALB2 is on the minus strand). VCF-style: chr16-23623092-T-G. GRCh37 (hg19) VCF-style: chr16-23634413-T-G.
Other names: short protein forms Q958P.
Identifiers: ClinVar variation 232317 (VCV000232317.16), dbSNP rs876659693, ClinGen allele CA10579945.